The following is an entry in ClinVar:

NM_001351661.2(MACROD2):c.-6G>A

Gene: MACROD2 (mono-ADP ribosylhydrolase 2; plus strand). Cytogenetic location: 20p12.1.
Variant type: single nucleotide variant.
Coding change: c.-6G>A on transcript NM_001351661.2 (MANE Select); 6 bases upstream of the start codon, G replaced by A.
Molecular consequence: 5 prime UTR variant.
Genome position (GRCh38, 1-based): chr20:13,995,758, G>A. VCF-style: chr20-13995758-G-A. GRCh37 (hg19) VCF-style: chr20-13976404-G-A.
Other names: c.-6G>A (NM_001033086.1, NM_001351663.2, NM_080676.6).
Identifiers: ClinVar variation 3038275 (VCV003038275.9), dbSNP rs200598669, ClinGen allele CA9768721.
Genomic context (GRCh38, chr20:13,995,758, plus strand): 5'-CACACACCCTGTTTGCCCGTGAGCCTGGGGAACTTGCAGCTTAAAGCCAGCCACCCCCAC[G>A]GCAACATGTACCCCAGCAACAAGAAGAAAAAGGTGTGGAGAGAGGAGAAAGGTAACCGGC-3'

ClinVar aggregate classification (germline): Likely benign. Review status: criteria provided, single submitter (1 of 4 stars). 2 submissions from 2 submitters: Likely benign (1). 1 of the submissions does not count toward it. Last evaluated 2025-03-01.

Conditions:
MACROD2-related disorder. Also called: MACROD2-related condition.

Allele frequency attached by ClinVar (database versions not stated): ExAC 0.00093; 1000 Genomes Project 0.00240; 1000 Genomes Project 30x 0.00265; gnomAD 0.00306; TOPMed 0.00337; ESP Exome Variant Server 0.00377.
gnomAD v4.1: 816 of 1,376,724 alleles (0.059%); highest among the groups gnomAD compares: African/African-American, 1%; 1 homozygote.

Submissions (2):

CeGaT Center for Human Genetics Tuebingen
Classification: Likely benign. Last evaluated: 2025-03-01. Review status: criteria provided, single submitter. Criteria: CeGaT Center For Human Genetics Tuebingen Variant Classification Criteria Version 2. Collection method: clinical testing. Allele origin: germline. Affected: yes. Observed: 1 variant allele.
Comment: MACROD2: BP4, BS1

PreventionGenetics, part of Exact Sciences
Classification: Benign for MACROD2-related condition. Last evaluated: 2019-05-28. Review status: no assertion criteria provided. Collection method: clinical testing. Allele origin: germline. Not counted in ClinVar's aggregate classification.
Comment: This variant is classified as benign based on ACMG/AMP sequence variant interpretation guidelines (Richards et al. 2015 PMID: 25741868, with internal and published modifications).